The following is an entry in ClinVar:

NM_000257.4(MYH7):c.976G>C (p.Ala326Pro)

Gene: MYH7 (myosin heavy chain 7; minus strand). Cytogenetic location: 14q11.2.
Variant type: single nucleotide variant.
Coding change: c.976G>C on transcript NM_000257.4 (MANE Select); coding-DNA position 976, G replaced by C.
Protein change: p.Ala326Pro; replaces alanine 326 with proline.
Molecular consequence: missense variant.
Genome position (GRCh38, 1-based): chr14:23,430,583, C>G on the plus strand (G>C on the coding strand, the complement: MYH7 is on the minus strand). VCF-style: chr14-23430583-C-G. GRCh37 (hg19) VCF-style: chr14-23899792-C-G.
Other names: short protein forms A326P.
Identifiers: ClinVar variation 43117 (VCV000043117.45), dbSNP rs372731424, ClinGen allele CA017063.

ClinVar aggregate classification (germline): Conflicting classifications of pathogenicity. Review status: criteria provided, conflicting classifications (1 of 4 stars). 16 submissions from 16 submitters: Uncertain significance (15); Likely benign (1). Last evaluated 2026-09-24.

Conditions:
Myopathy, myosin storage, autosomal recessive (CMYO7B). Also called: CONGENITAL MYOPATHY 7B, MYOSIN STORAGE, AUTOSOMAL RECESSIVE. Identifiers: Orphanet 636970, MedGen C1850709, MONDO:0009708, OMIM 255160.
Myosin storage myopathy (CMYO7A). Also called: Scapuloperoneal myopathy, MYH7-related; SCAPULOPERONEAL MUSCULAR DYSTROPHY; SCAPULOPERONEAL SYNDROME, MYOPATHIC TYPE; MYH7-related late-onset scapuloperoneal muscular dystrophy; Congenital myopathy 7A, myosin storage, autosomal dominant; MYOPATHY, HYALINE BODY, AUTOSOMAL DOMINANT. Identifiers: Orphanet 437572, Orphanet 636965, MedGen C1842160, MONDO:0008409, OMIM 608358.
Congenital myopathy with fiber type disproportion. Also called: Congenital fiber-type disproportion myopathy; Congenital fiber-type disproportion. Identifiers: Orphanet 2020, MedGen C0546264, MONDO:0009711. Inheritance: all.
Hypertrophic cardiomyopathy 1 (CMH1). Also called: Familial hypertrophic cardiomyopathy 1; MYH7-Related Familial Hypertrophic Cardiomyopathy. Identifiers: MedGen C3495498, MONDO:0008647, OMIM 192600.
Dilated cardiomyopathy 1S (CMD1S). Identifiers: Orphanet 154, Orphanet 54260, MedGen C1834481, MONDO:0013262, OMIM 613426.
MYH7-related skeletal myopathy. Also called: Myopathy, distal, 1; MYOPATHY, DISTAL, EARLY-ONSET, AUTOSOMAL DOMINANT; MYOPATHY, LATE DISTAL HEREDITARY; Laing distal myopathy; Laing early-onset distal myopathy. Identifiers: Orphanet 59135, MedGen C4552004, MONDO:0008050, OMIM 160500.
MYH7-related disorder. Also called: MYH7-related condition; MYH7-related disease; MYH7-related disorders.
Cardiovascular phenotype. Identifiers: MedGen CN230736.
Cardiomyopathy (CMYO). Also called: Cardiomyopathies. Identifiers: Orphanet 167848, MedGen C0878544, MONDO:0004994, HP:0001638. Inheritance: Various modes of inheritance.
Primary familial hypertrophic cardiomyopathy (HCM). Identifiers: Orphanet 99739, MedGen C0949658, MeSH D024741, MONDO:0024573. Inheritance: Various modes of inheritance.
Hypertrophic cardiomyopathy. Also called: HYPERTROPHIC MYOCARDIOPATHY. Identifiers: Orphanet 217569, MedGen C0007194, MeSH D002312, MONDO:0005045, HP:0001639.

Allele frequency attached by ClinVar (database versions not stated): ESP Exome Variant Server 0.00008; gnomAD 0.00010; ExAC 0.00007; TOPMed 0.00007.
gnomAD v4.1: 173 of 1,613,828 alleles (0.011%); highest among the groups gnomAD compares: Non-Finnish European, 0.014%; no homozygotes.

Submissions (16):

PreventionGenetics, part of Exact Sciences
Classification: Uncertain significance for MYH7-related condition. Last evaluated: 2026-09-24. Review status: criteria provided, single submitter. Criteria: ACMG Guidelines, 2015. Collection method: clinical testing. Allele origin: germline.
Comment: The MYH7 c.976G>C variant is predicted to result in the amino acid substitution p.Ala326Pro. This variant has been reported in individuals with hypertrophic cardiomyopathy (HCM, Michels et al. 2009. PubMed ID: 19666645; D'Argenio et al. 2013. PubMed ID: 24183960; Dorsch et al. 2019. PubMed ID: 31323898; Table S2, Robyns et al. 2020. PubMed ID: 31513939; Oktay et al. 2023. PubMed ID: 37466024; Table S1, Meisner et al. 2024. PubMed ID: 39633578), noncompaction cardiomyopathy (Online Table 1a, van Waning et al. 2018. PubMed ID: 29447731), and in a fetus with hydrops fetalis (Corsten-Janssen et al. 2020. PubMed ID: 32627857). However, this variant has also been reported in unaffected relatives (Michels et al. 2009. PubMed ID: 19666645; D'Argenio et al. 2013. PubMed ID: 24183960; Corsten-Janssen et al. 2020. PubMed ID: 32627857) and in healthy controls (Dataset S1, Homburger et al. 2016. PubMed ID: 27247418; Table S2, Tadros et al. 2021. PubMed ID: 33495596; Table S1, Meisner et al. 2024. PubMed ID: 39633578). This variant is reported in 0.016% of alleles in individuals of European (non-Finnish) descent in gnomAD, which may be too frequent to be a primary cause of disease. This variant is classified as uncertain by most of the laboratories in ClinVar (Variation ID: 43117). At this time, the clinical significance of this variant is uncertain due to the absence of conclusive functional and genetic evidence.

GeneDx
Classification: Uncertain significance. Last evaluated: 2026-08-27. Review status: criteria provided, single submitter. Criteria: GeneDx Variant Classification Process June 2021. Collection method: clinical testing. Allele origin: germline.
Comment: Has been reported in association with HCM in individuals tested at GeneDx, and in published literature; however, some individuals harbored additional cardiogenetic variants (PMID: 27532257, 24183960, 27247418, 27153395, 19666645, 30696458, 27476098, 29300372, 35653365); In silico analysis suggests that this missense variant does not alter protein structure/function; This variant is associated with the following publications: (PMID: 27153395, 29447731, 24183960, 25637381, 27247418, 19666645, 23299917, 31513939, 34426522, 27532257, 30696458, 34111116, 27476098, 32627857, 31323898, 32369506, 34542152, 35653365, 39633578, 37652022, 37937776, 29300372)

Labcorp Genetics (formerly Invitae), Labcorp
Classification: Uncertain significance for Hypertrophic cardiomyopathy. Last evaluated: 2026-01-26. Review status: criteria provided, single submitter. Criteria: Invitae Variant Classification Sherloc (09022015). Collection method: clinical testing. Allele origin: germline.
Comment: This sequence change replaces alanine, which is neutral and non-polar, with proline, which is neutral and non-polar, at codon 326 of the MYH7 protein (p.Ala326Pro). This variant is present in population databases (rs372731424, gnomAD 0.02%). This missense change has been observed in individual(s) with hypertrophic cardiomyopathy (PMID: 19666645, 24183960, 27247418, 27476098, 27532257, 31513939, 37466024, 37937776). ClinVar contains an entry for this variant (Variation ID: 43117). Invitae Evidence Modeling of protein sequence and biophysical properties (such as structural, functional, and spatial information, amino acid conservation, physicochemical variation, residue mobility, and thermodynamic stability) indicates that this missense variant is expected to disrupt MYH7 protein function with a positive predictive value of 95%. In summary, the available evidence is currently insufficient to determine the role of this variant in disease. Therefore, it has been classified as a Variant of Uncertain Significance.

Molecular Diagnostic Laboratory for Inherited Cardiovascular Disease, Montreal Heart Institute
Classification: Uncertain significance for Cardiovascular phenotype. Last evaluated: 2025-04-09. Review status: criteria provided, single submitter. Criteria: ACMG Guidelines, 2015. Collection method: clinical testing. Allele origin: germline. Affected: yes.

Color Diagnostics, LLC DBA Color Health
Classification: Uncertain significance for Cardiomyopathy. Last evaluated: 2024-11-25. Review status: criteria provided, single submitter. Criteria: ACMG Guidelines, 2015. Collection method: clinical testing. Allele origin: germline.
Comment: This missense variant replaces alanine with proline at codon 326 of the MYH7 protein. Computational prediction tool is inconclusive regarding the impact of this variant on protein structure and function. To our knowledge, functional studies have not been reported for this variant. This variant has been reported in individuals affected with hypertrophic cardiomyopathy (PMID: 19666645, 24183960, 27247418, 27476098, 27532257, 30696458, 31323898, 32369506, 33495597, 37466024) and in an individual affected with noncompaction cardiomyopathy (PMID: 29447731). A family member of one affected individual was a healthy carrier (PMID: 24183960). This variant has also been identified in 25/282608 chromosomes in the general population by the Genome Aggregation Database (gnomAD). The available evidence is insufficient to determine the role of this variant in disease conclusively. Therefore, this variant is classified as a Variant of Uncertain Significance.

Blueprint Genetics
Classification: Likely benign. Last evaluated: 2024-10-21. Review status: criteria provided, single submitter. Criteria: ACMG Guidelines, 2015. Collection method: clinical testing. Allele origin: germline.

Revvity Omics, Revvity
Classification: Uncertain significance. Last evaluated: 2024-02-08. Review status: criteria provided, single submitter. Criteria: ACMG Guidelines, 2015. Collection method: clinical testing. Allele origin: germline.

CHEO Genetics Diagnostic Laboratory, Children's Hospital of Eastern Ontario
Classification: Uncertain significance for Cardiomyopathy. Last evaluated: 2021-12-08. Review status: criteria provided, single submitter. Criteria: ACMG Guidelines, 2015. Collection method: clinical testing. Allele origin: germline.

Genetics and Molecular Pathology, SA Pathology
Classification: Uncertain significance for Hypertrophic cardiomyopathy 1. Last evaluated: 2021-12-01. Review status: criteria provided, single submitter. Criteria: ACMG Guidelines, 2015. Collection method: clinical testing. Allele origin: germline. Inheritance: Autosomal dominant inheritance. Affected: yes.

Ambry Genetics
Classification: Uncertain significance for Cardiovascular phenotype. Last evaluated: 2021-05-06. Review status: criteria provided, single submitter. Criteria: Ambry Variant Classification Scheme 2023. Collection method: clinical testing. Allele origin: germline.

Mendelics
Classification: Uncertain significance for Hypertrophic cardiomyopathy 1. Last evaluated: 2019-05-28. Review status: criteria provided, single submitter. Criteria: Mendelics Assertion Criteria 2017. Collection method: clinical testing. Allele origin: unknown.

Laboratory for Molecular Medicine, Mass General Brigham Personalized Medicine
Classification: Uncertain significance. Last evaluated: 2019-04-05. Review status: criteria provided, single submitter. Criteria: ACMG Guidelines, 2015. Collection method: clinical testing. Allele origin: germline.
Comment: The p.Ala326Pro variant has been reported in 3 individuals with HCM (Michels 2009, D'Argenio 2014, LMM data). It has been identified in 19/126594 European chromosomes by the Genome Aggregation Database (gnomAD; dbSNP rs372731424). Clinvar: VUS (GeneDx, Invitae, CSER). Furthermore, alanine (Ala) at position 326 is not conserved in mammals or evolutionarily distant species, and the change to proline (Pro) was predicted to be benign using a computational tool clinically validated by our laboratory. This tool's benign prediction is estimated to be correct 89% of the time (Jordan 2011). In summary, due to conflicting data, the clinical significance of the p.Ala326Pro variant is uncertain.

Center for Human Genetics, University of Leuven
Classification: Uncertain significance for Hypertrophic cardiomyopathy. Last evaluated: 2018-10-31. Review status: criteria provided, single submitter. Criteria: ACMG Guidelines, 2015. Collection method: clinical testing. Allele origin: germline. Affected: yes.

Fulgent Genetics
Classification: Uncertain significance for MYH7-related skeletal myopathy; Myosin storage myopathy; Hypertrophic cardiomyopathy 1; Myopathy, myosin storage, autosomal recessive; Congenital myopathy 4A, autosomal dominant; Dilated cardiomyopathy 1S. Last evaluated: 2018-10-31. Review status: criteria provided, single submitter. Criteria: ACMG Guidelines, 2015. Collection method: clinical testing. Allele origin: unknown.

Illumina Laboratory Services, Illumina
Classification: Uncertain significance for Myosin storage myopathy. Last evaluated: 2017-09-06. Review status: criteria provided, single submitter. Criteria: ICSL Variant Classification Criteria 13 December 2019. Collection method: clinical testing. Allele origin: germline.

CSER _CC_NCGL, University of Washington
Classification: Uncertain significance for Cardiomyopathy, hypertrophic. Last evaluated: 2014-06-01. Review status: criteria provided, single submitter. Criteria: Amendola et al. (Genome Res. 2015). Collection method: research. Allele origin: germline. Inheritance: Autosomal dominant inheritance. Study: ESP 6500 variant annotation.
Comment: Low GERP score may suggest that this variant may belong in a lower pathogenicity class

Variants classified for the Actionable exomic incidental findings in 6503 participants: challenges of variant classification manuscript

Literature cited by the submitters: PubMed 19666645 (cited by 3 submitters); PubMed 24183960 (cited by 3 submitters); PubMed 27247418 (cited by 3 submitters); PubMed 27476098 (cited by Labcorp Genetics (formerly Invitae), Labcorp and Color Diagnostics, LLC DBA Color Health); PubMed 27532257 (cited by Labcorp Genetics (formerly Invitae), Labcorp and Color Diagnostics, LLC DBA Color Health); PubMed 31513939 (cited by Labcorp Genetics (formerly Invitae), Labcorp); PubMed 37466024 (cited by Labcorp Genetics (formerly Invitae), Labcorp and Color Diagnostics, LLC DBA Color Health); PubMed 37937776 (cited by Labcorp Genetics (formerly Invitae), Labcorp); PubMed 29447731 (cited by Color Diagnostics, LLC DBA Color Health); PubMed 30696458 (cited by Color Diagnostics, LLC DBA Color Health); PubMed 31323898 (cited by Color Diagnostics, LLC DBA Color Health); PubMed 32369506 (cited by Color Diagnostics, LLC DBA Color Health); PubMed 33495597 (cited by Color Diagnostics, LLC DBA Color Health); PubMed 23299917 (cited by Laboratory for Molecular Medicine, Mass General Brigham Personalized Medicine); PubMed 27153395 (cited by Laboratory for Molecular Medicine, Mass General Brigham Personalized Medicine).